The following is an entry in ClinVar:

NM_001854.4(COL11A1):c.1343_1350+1dup

Gene: COL11A1 (collagen type XI alpha 1 chain; minus strand). Cytogenetic location: 1p21.1.
Variant type: Duplication.
Coding change: c.1343_1350+1dup on transcript NM_001854.4 (MANE Select); coding-DNA position 1343 through the canonical splice donor site of the intron after coding-DNA position 1350, 9 bases duplicated (GACCTGCAG; older notation c.1343_1350+1dupGACCTGCAG).
Molecular consequence: splice donor variant.
Genome position (GRCh38, 1-based): chr1:103,018,817-103,018,825, CTGCAGGTC duplicated on the plus strand (GACCTGCAG on the coding strand, the reverse complement: COL11A1 is on the minus strand); duplicating any 9 consecutive bases within chr1:103,018,817-103,018,829 gives the same sequence; the c. name uses the placement nearest the transcript's 3' end. VCF-style (leftmost placement, unchanged base first): chr1-103018816-A-ACTGCAGGTC. GRCh37 (hg19) VCF-style: chr1-103484372-A-ACTGCAGGTC.
Other names: c.1226_1233+1dup (NM_001190709.2); c.1379_1386+1dup (NM_080629.3); c.995_1002+1dup (NM_080630.4).
Identifiers: ClinVar variation 1432316 (VCV001432316.6), dbSNP rs1417844465, ClinGen allele CA524904249.

ClinVar aggregate classification (germline): Uncertain significance (1 of 4 stars; one submission).

Submission:

Labcorp Genetics (formerly Invitae), Labcorp
Classification: Uncertain significance. Last evaluated: 2023-08-04. Review status: criteria provided, single submitter. Criteria: Invitae Variant Classification Sherloc (09022015). Collection method: clinical testing. Allele origin: germline.
Comment: Algorithms developed to predict the effect of sequence changes on RNA splicing suggest that this variant may disrupt the consensus splice site. In summary, the available evidence is currently insufficient to determine the role of this variant in disease. Therefore, it has been classified as a Variant of Uncertain Significance. ClinVar contains an entry for this variant (Variation ID: 1432316). This variant is also known as c.1343_1350+1dup. This variant has not been reported in the literature in individuals affected with COL11A1-related conditions. The frequency data for this variant in the population databases is considered unreliable, as metrics indicate poor data quality at this position in the gnomAD database. This variant, c.1342_1350dup, results in the insertion of 3 amino acid(s) of the COL11A1 protein (p.Pro449_Gly451dup), but otherwise preserves the integrity of the reading frame.